The following is an entry in ClinVar:

ClinVar aggregate classification (germline): Uncertain significance. Review status: criteria provided, multiple submitters, no conflicts (2 of 4 stars). 2 submissions from 2 submitters: Uncertain significance (2). Last evaluated 2024-07-09.

Conditions:
Hereditary cancer-predisposing syndrome. Also called: Neoplastic Syndromes, Hereditary; Hereditary Cancer Syndrome; Tumor predisposition; Hereditary neoplastic syndrome. Identifiers: Orphanet 140162, MedGen C0027672, MeSH D009386, MONDO:0015356.
Ataxia-telangiectasia syndrome (AT). Also called: LOUIS-BAR SYNDROME; Cerebello-oculocutaneous telangiectasia; Immunodeficiency with ataxia telangiectasia; Ataxia-telangiectasia, complementation group D; AT, COMPLEMENTATION GROUP C; Ataxia-telangiectasia, complementation group E. Identifiers: Orphanet 100, MedGen C0004135, MONDO:0008840, OMIM 208900.

Submissions (2):

Ambry Genetics
Classification: Uncertain significance for Hereditary cancer-predisposing syndrome. Last evaluated: 2024-07-09. Review status: criteria provided, single submitter. Criteria: Ambry Variant Classification Scheme 2023. Collection method: clinical testing. Allele origin: germline.

Labcorp Genetics (formerly Invitae), Labcorp
Classification: Uncertain significance for Ataxia-telangiectasia syndrome. Last evaluated: 2017-05-21. Review status: criteria provided, single submitter. Criteria: Invitae Variant Classification Sherloc (09022015). Collection method: clinical testing. Allele origin: germline.
Comment: This variant has not been reported in the literature in individuals with an ATM-related disease. This variant is not present in population databases (ExAC no frequency). This sequence change replaces glutamine with histidine at codon 3037 of the ATM protein (p.Gln3037His). The glutamine residue is highly conserved and there is a small physicochemical difference between glutamine and histidine. Algorithms developed to predict the effect of missense changes on protein structure and function do not agree on the potential impact of this missense change (SIFT: "Deleterious"; PolyPhen-2: "Probably Damaging"; Align-GVGD: "Class C15"). In summary, this variant has uncertain impact on ATM function. The available evidence is currently insufficient to determine its role in disease. Therefore, it has been classified as a Variant of Uncertain Significance.

NM_000051.4(ATM):c.9111G>T (p.Gln3037His)

Genes: ATM (ATM serine/threonine kinase; plus strand), C11orf65 (chromosome 11 open reading frame 65; minus strand). Cytogenetic location: 11q22.3.
Variant type: single nucleotide variant.
Coding change: c.9111G>T on transcript NM_000051.4 (MANE Select); coding-DNA position 9111, G replaced by T.
Protein change: p.Gln3037His; replaces glutamine 3037 with histidine.
Molecular consequence: missense variant. On other transcripts: intron variant (2).
Genome position (GRCh38, 1-based): chr11:108,365,448, G>T. VCF-style: chr11-108365448-G-T. GRCh37 (hg19) VCF-style: chr11-108236175-G-T.
Other names: c.9111G>T, p.Gln3037His (NM_001351834.2); c.640+20472C>A (NM_001330368.2); c.694+20472C>A (NM_001351110.2); short protein forms Q3037H.
Identifiers: ClinVar variation 453764 (VCV000453764.10), dbSNP rs1555152012, ClinGen allele CA382531985.
Genomic context (GRCh38, chr11:108,365,448, plus strand): 5'-GAAAGGAGTGGAAGAAGGCACTGTGCTCAGTGTTGGTGGACAAGTGAATTTGCTCATACA[G>T]CAGGCCATAGACCCCAAAAATCTCAGCCGACTTTTCCCAGGATGGAAAGCTTGGGTGTGA-3'
Protein context (NP_000042.3, residues 3027-3047): SVGGQVNLLI[Gln3037His]QAIDPKNLSR